The following is an entry in ClinVar:

ClinVar aggregate classification (germline): Uncertain significance. Review status: criteria provided, multiple submitters, no conflicts (2 of 4 stars). 2 submissions from 2 submitters: Uncertain significance (2). Last evaluated 2024-08-12.

Conditions:
Inborn genetic diseases. Identifiers: MedGen C0950123, MeSH D030342.

Allele frequency attached by ClinVar (database versions not stated): gnomAD exomes 0.00001.
gnomAD v4.1: 3 of 1,211,584 alleles (0.00025%); highest among the groups gnomAD compares: Non-Finnish European, 0.00034%; no homozygotes.

Submissions (2):

Ambry Genetics
Classification: Uncertain significance for Inborn genetic diseases. Last evaluated: 2024-08-12. Review status: criteria provided, single submitter. Criteria: Ambry Variant Classification Scheme 2023. Collection method: clinical testing. Allele origin: germline.

GeneDx
Classification: Uncertain significance. Last evaluated: 2023-10-23. Review status: criteria provided, single submitter. Criteria: GeneDx Variant Classification Process June 2021. Collection method: clinical testing. Allele origin: germline. Affected: yes.
Comment: In silico analysis supports that this missense variant does not alter protein structure/function; Has not been previously published as pathogenic or benign to our knowledge

NM_031407.7(HUWE1):c.9459C>G (p.Phe3153Leu)

Gene: HUWE1 (HECT, UBA and WWE domain containing E3 ubiquitin protein ligase 1; minus strand). Cytogenetic location: Xp11.22.
Variant type: single nucleotide variant.
Coding change: c.9459C>G on transcript NM_031407.7 (MANE Select); coding-DNA position 9459, C replaced by G.
Protein change: p.Phe3153Leu; replaces phenylalanine 3153 with leucine.
Molecular consequence: missense variant.
Genome position (GRCh38, 1-based): chrX:53,550,695, G>C on the plus strand (C>G on the coding strand, the complement: HUWE1 is on the minus strand). VCF-style: chrX-53550695-G-C. GRCh37 (hg19) VCF-style: chrX-53577656-G-C.
Other names: short protein forms F3153L.
Identifiers: ClinVar variation 1767006 (VCV001767006.4), dbSNP rs1556927856, ClinGen allele CA413140534.